The following is an entry in ClinVar:

NM_003072.5(SMARCA4):c.4106G>A (p.Arg1369His)

Gene: SMARCA4 (SWI/SNF related BAF chromatin remodeling complex subunit ATPase 4; plus strand). Cytogenetic location: 19p13.2.
Variant type: single nucleotide variant.
Coding change: c.4106G>A on transcript NM_003072.5 (MANE Select); coding-DNA position 4106, G replaced by A.
Protein change: p.Arg1369His; replaces arginine 1369 with histidine.
Molecular consequence: missense variant. On other transcripts: non-coding transcript variant (1).
Genome position (GRCh38, 1-based): chr19:11,035,068, G>A. VCF-style: chr19-11035068-G-A. GRCh37 (hg19) VCF-style: chr19-11145744-G-A.
Other names: c.4106G>A, p.Arg1369His (NM_001128844.3, NM_001128849.3, NM_001387283.1); c.4007G>A, p.Arg1336His (NM_001128845.2, NM_001128846.2, NM_001128847.4 and 2 more transcripts); short protein forms R1369H, R1336H.
Identifiers: ClinVar variation 470383 (VCV000470383.13), dbSNP rs1388796557, ClinGen allele CA404068370.

ClinVar aggregate classification (germline): Uncertain significance. Review status: criteria provided, multiple submitters, no conflicts (2 of 4 stars). 2 submissions from 2 submitters: Uncertain significance (2). Last evaluated 2025-08-22.

Conditions:
Hereditary cancer-predisposing syndrome. Also called: Hereditary neoplastic syndrome; Neoplastic Syndromes, Hereditary; Tumor predisposition; Hereditary Cancer Syndrome. Identifiers: Orphanet 140162, MedGen C0027672, MeSH D009386, MONDO:0015356.
Rhabdoid tumor predisposition syndrome 2 (RTPS2). Identifiers: Orphanet 231108, Orphanet 69077, MedGen C2750074, MONDO:0013224, OMIM 613325.

Allele frequency attached by ClinVar (database versions not stated): gnomAD exomes below 0.00001 and 0.00001; gnomAD 0.00001; TOPMed 0.00001.
gnomAD v4.1: 8 of 1,612,788 alleles (0.0005%); highest among the groups gnomAD compares: Admixed American, 0.0017%; no homozygotes.

Submissions (2):

Labcorp Genetics (formerly Invitae), Labcorp
Classification: Uncertain significance for Rhabdoid tumor predisposition syndrome 2. Last evaluated: 2025-08-22. Review status: criteria provided, single submitter. Criteria: Invitae Variant Classification Sherloc (09022015). Collection method: clinical testing. Allele origin: germline.
Comment: This sequence change replaces arginine, which is basic and polar, with histidine, which is basic and polar, at codon 1369 of the SMARCA4 protein (p.Arg1369His). This variant is present in population databases (no rsID available, gnomAD 0.003%). This missense change has been observed in individual(s) with a developmental disorder and/or autism (PMID: 31278258, 35982159). ClinVar contains an entry for this variant (Variation ID: 470383). Invitae Evidence Modeling of protein sequence and biophysical properties (such as structural, functional, and spatial information, amino acid conservation, physicochemical variation, residue mobility, and thermodynamic stability) indicates that this missense variant is expected to disrupt SMARCA4 protein function with a positive predictive value of 95%. In summary, the available evidence is currently insufficient to determine the role of this variant in disease. Therefore, it has been classified as a Variant of Uncertain Significance.

Ambry Genetics
Classification: Uncertain significance for Hereditary cancer-predisposing syndrome. Last evaluated: 2025-07-21. Review status: criteria provided, single submitter. Criteria: Ambry Variant Classification Scheme 2023. Collection method: clinical testing. Allele origin: germline.
Comment: The p.R1369H variant (also known as c.4106G>A), located in coding exon 28 of the SMARCA4 gene, results from a G to A substitution at nucleotide position 4106. The arginine at codon 1369 is replaced by histidine, an amino acid with highly similar properties. This alteration was detected in an individuals with autism spectrum disorder and developmental disorders who underwent whole exome sequencing (Wright CF et al. Nat Commun, 2019 07;10:2985; Zhou X et al. Nat Genet, 2022 Sep;54:1305-1319). This amino acid position is highly conserved in available vertebrate species. In addition, this alteration is predicted to be deleterious by in silico analysis. Based on the available evidence, the clinical significance of this variant remains unclear.

Literature cited by the submitters: PubMed 31278258 (cited by Labcorp Genetics (formerly Invitae), Labcorp and Ambry Genetics); PubMed 35982159 (cited by Labcorp Genetics (formerly Invitae), Labcorp and Ambry Genetics).